The following is an entry in ClinVar:

NM_000111.3(SLC26A3):c.358G>A (p.Gly120Ser)

Gene: SLC26A3 (solute carrier family 26 member 3; minus strand). Cytogenetic location: 7q22.3.
Variant type: single nucleotide variant.
Coding change: c.358G>A on transcript NM_000111.3 (MANE Select); coding-DNA position 358, G replaced by A.
Protein change: p.Gly120Ser; replaces glycine 120 with serine.
Molecular consequence: missense variant.
Genome position (GRCh38, 1-based): chr7:107,791,854, C>T on the plus strand (G>A on the coding strand, the complement: SLC26A3 is on the minus strand). VCF-style: chr7-107791854-C-T. GRCh37 (hg19) VCF-style: chr7-107432299-C-T.
Other names: short protein forms G120S.
Identifiers: ClinVar variation 55997 (VCV000055997.9), dbSNP rs386833479, ClinGen allele CA144093.

ClinVar aggregate classification (germline): Pathogenic/Likely pathogenic. Review status: criteria provided, multiple submitters, no conflicts (2 of 4 stars). 6 submissions from 6 submitters: Pathogenic (2); Likely pathogenic (2). 2 of the submissions do not count toward it. Last evaluated 2025-11-28.

Conditions:
SLC26A3-related disorder. Also called: SLC26A3-related condition.
Congenital secretory diarrhea, chloride type (DIAR1). Also called: DIARRHEA 1, SECRETORY CHLORIDE, CONGENITAL; CHLORIDE DIARRHEA, CONGENITAL, FINNISH TYPE; CHLORIDORRHEA, CONGENITAL. Identifiers: Orphanet 53689, MedGen C0267662, MONDO:0008964, OMIM 214700.

Allele frequency attached by ClinVar (database versions not stated): gnomAD 0.00003 and 0.00004; gnomAD exomes 0.00003; TOPMed 0.00003; ExAC 0.00005.

Submissions (6):

Labcorp Genetics (formerly Invitae), Labcorp
Classification: Pathogenic. Last evaluated: 2025-11-28. Review status: criteria provided, single submitter. Criteria: Invitae Variant Classification Sherloc (09022015). Collection method: clinical testing. Allele origin: germline.
Comment: This sequence change replaces glycine, which is neutral and non-polar, with serine, which is neutral and polar, at codon 120 of the SLC26A3 protein (p.Gly120Ser). This variant is present in population databases (rs386833479, gnomAD 0.01%). This missense change has been observed in individual(s) with congenital chloride diarrhea (PMID: 9554749, 11524734, 28644346). ClinVar contains an entry for this variant (Variation ID: 55997). Invitae Evidence Modeling of protein sequence and biophysical properties (such as structural, functional, and spatial information, amino acid conservation, physicochemical variation, residue mobility, and thermodynamic stability) indicates that this missense variant is expected to disrupt SLC26A3 protein function with a positive predictive value of 80%. For these reasons, this variant has been classified as Pathogenic.

Fulgent Genetics
Classification: Likely pathogenic for Congenital secretory diarrhea, chloride type. Last evaluated: 2022-03-12. Review status: criteria provided, single submitter. Criteria: ACMG Guidelines, 2015. Collection method: clinical testing. Allele origin: unknown.

Blueprint Genetics
Classification: Pathogenic for SLC26A3-related disorders. Last evaluated: 2018-11-27. Review status: criteria provided, single submitter. Criteria: ACMG Guidelines, 2015. Collection method: clinical testing. Allele origin: germline. Affected: yes. Observed: 1 variant allele.

Neuberg Centre For Genomic Medicine, NCGM
Classification: Likely pathogenic for Congenital secretory diarrhea, chloride type. Review status: criteria provided, single submitter. Criteria: ACMG Guidelines, 2015. Collection method: clinical testing. Allele origin: germline. Inheritance: Autosomal recessive inheritance. Affected: yes.
Comment: The missense variant c.358G>A (p.Gly120Ser) in the SLC26A3 gene has been reported previously in compound heterozygous state in individuals affected with congenital chloride diarrhea (Höglund et al., 2001; Höglund et al., 1998; Wedenoja et al., 2011). This variant is reported with the allele frequency (0.003%) in the gnomAD Exomes. It is submitted to ClinVar as Likely Pathogenic. The amino acid Gly at position 120 is changed to a Ser changing protein sequence and it might alter its composition and physico-chemical properties. Multiple lines of computational evidence (Polyphen - Damaging, SIFT - Damaging and MutationTaster - Disease causing) predict a damaging effect on protein structure and function for this variant. The amino acid change p.Leu61Ile in NDP is predicted as conserved by GERP++ and PhyloP across 100 vertebrates. The amino acid change p.Gly120Ser in SLC26A3 is predicted as conserved by GERP++ and PhyloP across 100 vertebrates. For these reasons, this variant has been classified as Likely Pathogenic.

PreventionGenetics, part of Exact Sciences
Classification: Likely pathogenic for SLC26A3-related condition. Last evaluated: 2024-03-12. Review status: no assertion criteria provided. Collection method: clinical testing. Allele origin: germline. Not counted in ClinVar's aggregate classification.
Comment: The SLC26A3 c.358G>A variant is predicted to result in the amino acid substitution p.Gly120Ser. This variant has been reported in the compound heterozygous states with another SLC26A3 variant in two siblings with congenital chloride diarrhea (CCD) (Swe1.3 and Swe 1.4, Hoglund et al. 1998. PubMed ID: 9554749; Supplemental Table 1, LGL9412 and LGL9413, Hoglund et al. 2001. PubMed ID: 11524734) and in another individual with CDD (Case 4, Esposito et al. 2021. PubMed ID: 33567694). This variant was also identified in a study of individuals with congenital chloride diarrhea and other forms of congenial diarrheal diseases, however specific clinical details were not provided (Amato et al. 2017. PubMed ID: 28644346). This variant is reported in 0.010% of alleles in individuals of East Asian descent in gnomAD. This variant is interpreted as likely pathogenic.

Juha Muilu Group; Institute for Molecular Medicine Finland (FIMM)
Classification: Likely pathogenic for Congenital secretory diarrhea, chloride type. Review status: no assertion criteria provided. Collection method: not provided. Allele origin: unknown. Not counted in ClinVar's aggregate classification.
Comment: FinDis database variant: This variant was not found or characterized by our laboratory, data were collected from public sources: see reference
ClinVar note: Converted during submission from probable-pathogenic to Likely pathogenic.

Literature cited by the submitters: PubMed 9554749 (cited by Labcorp Genetics (formerly Invitae), Labcorp); PubMed 11524734 (cited by Labcorp Genetics (formerly Invitae), Labcorp); PubMed 28644346 (cited by Labcorp Genetics (formerly Invitae), Labcorp).